The following is an entry in ClinVar:

ClinVar aggregate classification (germline): Pathogenic (1 of 4 stars; one submission).

Submission:

ISCA site 4
Classification: Pathogenic. Last evaluated: 2011-08-12. Review status: criteria provided, single submitter. Criteria: Kaminsky et al. (Genet Med. 2011). Collection method: clinical testing. Allele origin: unknown. Affected: yes. Observed: 1 variant allele.
Comment: Copy number variation identified through the course of routine clinical cytogenomic testing in postnatal populations. Clinical assertions have been curated as described in Kaminsky et al. 2011.

GRCh38/hg38 6p25.3(chr6:163083-1951351)x3

Genes: DUSP22 (dual specificity phosphatase 22; plus strand), EXOC2 (exocyst complex component 2; minus strand), FOXC1 (forkhead box C1; plus strand), FOXCUT (FOXC1 upstream transcript; plus strand), FOXF2 (forkhead box F2; plus strand) and 113 more. Cytogenetic location: 6p25.3.
Variant type: copy number gain.
Change: copy number 3 (three copies instead of two) of chr6:163,083-1,951,351 (1.79 Mb, GRCh38 coordinates, 1-based), cytogenetic band 6p25.3.
Identifiers: ClinVar variation 57019 (VCV000057019.1).